The following is an entry in ClinVar:

NM_001032386.2(SUOX):c.280A>G (p.Thr94Ala)

Gene: SUOX (sulfite oxidase; plus strand). Cytogenetic location: 12q13.2.
Variant type: single nucleotide variant.
Coding change: c.280A>G on transcript NM_001032386.2 (MANE Select); coding-DNA position 280, A replaced by G.
Protein change: p.Thr94Ala; replaces threonine 94 with alanine.
Molecular consequence: missense variant.
Genome position (GRCh38, 1-based): chr12:56,003,669, A>G. VCF-style: chr12-56003669-A-G. GRCh37 (hg19) VCF-style: chr12-56397453-A-G.
Other names: c.280A>G, p.Thr94Ala (NM_000456.3, NM_001032387.2); short protein forms T94A.
Identifiers: ClinVar variation 1490260 (VCV001490260.6), dbSNP rs1890616099, ClinGen allele CA385282163.
Genomic context (GRCh38, chr12:56,003,669, plus strand): 5'-TGCCAATAGGCTGCTCAGGAGTCAACACACATATACACTAAGGAGGAAGTGAGTTCCCAC[A>G]CCAGCCCTGAGACTGGGATCTGGGTGACTCTGGGCTCTGAGGTCTTTGATGTCACAGAAT-3'
Protein context (NP_001027558.1, residues 84-104): IYTKEEVSSH[Thr94Ala]SPETGIWVTL

ClinVar aggregate classification (germline): Uncertain significance (1 of 4 stars; one submission).

Conditions:
Sulfite oxidase deficiency. Also called: Isolated sulfite oxidase deficiency. Identifiers: Orphanet 833, Orphanet 99731, MedGen C0268624, MONDO:0010089, OMIM 272300, HP:0003643.

Allele frequency attached by ClinVar (database versions not stated): TOPMed below 0.00001.

Submission:

Labcorp Genetics (formerly Invitae), Labcorp
Classification: Uncertain significance for Sulfite oxidase deficiency. Last evaluated: 2022-08-19. Review status: criteria provided, single submitter. Criteria: Invitae Variant Classification Sherloc (09022015). Collection method: clinical testing. Allele origin: germline.
Comment: This sequence change replaces threonine, which is neutral and polar, with alanine, which is neutral and non-polar, at codon 94 of the SUOX protein (p.Thr94Ala). This variant is not present in population databases (gnomAD no frequency). This variant has not been reported in the literature in individuals affected with SUOX-related conditions. ClinVar contains an entry for this variant (Variation ID: 1490260). Algorithms developed to predict the effect of missense changes on protein structure and function (SIFT, PolyPhen-2, Align-GVGD) all suggest that this variant is likely to be tolerated. In summary, the available evidence is currently insufficient to determine the role of this variant in disease. Therefore, it has been classified as a Variant of Uncertain Significance.